The following is an entry in ClinVar:

NM_003239.5(TGFB3):c.880G>T (p.Gly294Trp)

Gene: TGFB3 (transforming growth factor beta 3; minus strand). Cytogenetic location: 14q24.3.
Variant type: single nucleotide variant.
Coding change: c.880G>T on transcript NM_003239.5 (MANE Select); coding-DNA position 880, G replaced by T.
Protein change: p.Gly294Trp; replaces glycine 294 with tryptophan.
Molecular consequence: missense variant.
Genome position (GRCh38, 1-based): chr14:75,963,362, C>A on the plus strand (G>T on the coding strand, the complement: TGFB3 is on the minus strand). VCF-style: chr14-75963362-C-A. GRCh37 (hg19) VCF-style: chr14-76429705-C-A.
Other names: c.880G>T, p.Gly294Trp (NM_001329938.2, NM_001329939.2); short protein forms G294W.
Identifiers: ClinVar variation 4760648 (VCV004760648.1).
Genomic context (GRCh38, chr14:75,963,362, plus strand): 5'-GGGCCCAGTCTCACCGGAAGCAGTAATTGGTGTCCAAAGCCCGCTTCTTCCTCTGACCCC[C>A]CTGGCCCGGGTTGTCGAGCCGGTGTGGGGGAATCATCATGAGGATTAGATGAGGGTTGTG-3'
Protein context (NP_003230.1, residues 284-304): PPHRLDNPGQ[Gly294Trp]GQRKKRALDT

ClinVar aggregate classification (germline): Uncertain significance (1 of 4 stars; one submission).

Conditions:
Rienhoff syndrome. Also called: LOEYS-DIETZ SYNDROME 5. Identifiers: MedGen C3810012, MONDO:0014262, OMIM 615582.

gnomAD v4.1: 9 of 1,614,198 alleles (0.00056%); highest among the groups gnomAD compares: South Asian, 0.0088%; no homozygotes.

Submission:

Labcorp Genetics (formerly Invitae), Labcorp
Classification: Uncertain significance for Rienhoff syndrome. Last evaluated: 2025-10-13. Review status: criteria provided, single submitter. Criteria: Invitae Variant Classification Sherloc (09022015). Collection method: clinical testing. Allele origin: germline.
Comment: This sequence change replaces glycine, which is neutral and non-polar, with tryptophan, which is neutral and slightly polar, at codon 294 of the TGFB3 protein (p.Gly294Trp). This variant is present in population databases (rs753696538, gnomAD 0.01%). This variant has not been reported in the literature in individuals affected with TGFB3-related conditions. An algorithm developed to predict the effect of missense changes on protein structure and function (PolyPhen-2) suggests that this variant is likely to be tolerated. In summary, the available evidence is currently insufficient to determine the role of this variant in disease. Therefore, it has been classified as a Variant of Uncertain Significance.